The following is an entry in ClinVar:

NM_000551.4(VHL):c.85G>C (p.Gly29Arg)

Gene: VHL (von Hippel-Lindau tumor suppressor; plus strand). Cytogenetic location: 3p25.3.
Variant type: single nucleotide variant.
Coding change: c.85G>C on transcript NM_000551.4 (MANE Select); coding-DNA position 85, G replaced by C.
Protein change: p.Gly29Arg; replaces glycine 29 with arginine.
Molecular consequence: missense variant.
Genome position (GRCh38, 1-based): chr3:10,141,932, G>C. VCF-style: chr3-10141932-G-C. GRCh37 (hg19) VCF-style: chr3-10183616-G-C.
Other names: c.85G>C, p.Gly29Arg (NM_001354723.2, NM_198156.3); short protein forms G29R.
Identifiers: ClinVar variation 648697 (VCV000648697.12), dbSNP rs1277221408, ClinGen allele CA351747532.

ClinVar aggregate classification (germline): Uncertain significance. Review status: criteria provided, multiple submitters, no conflicts (2 of 4 stars). 3 submissions from 3 submitters: Uncertain significance (3). Last evaluated 2025-12-21.

Conditions:
Chuvash polycythemia. Also called: POLYCYTHEMIA, VHL-DEPENDENT. Identifiers: Orphanet 238557, MedGen C1837915, MONDO:0009892, OMIM 263400.
Von Hippel-Lindau syndrome (VHLS). Also called: Von Hippel-Lindau; VHL syndrome; von Hippel–Lindau syndrome. Identifiers: Orphanet 892, MedGen C0019562, MONDO:0008667, OMIM 193300. Disease mechanism: loss of function.
Hereditary cancer-predisposing syndrome. Also called: Hereditary Cancer Syndrome; Tumor predisposition; Neoplastic Syndromes, Hereditary; Hereditary neoplastic syndrome. Identifiers: Orphanet 140162, MedGen C0027672, MeSH D009386, MONDO:0015356.

gnomAD v4.1: 3 of 1,540,064 alleles (0.00019%); highest among the groups gnomAD compares: Non-Finnish European, 0.00026%; no homozygotes.

Submissions (3):

Labcorp Genetics (formerly Invitae), Labcorp
Classification: Uncertain significance for Von Hippel-Lindau syndrome; Chuvash polycythemia. Last evaluated: 2025-12-21. Review status: criteria provided, single submitter. Criteria: Invitae Variant Classification Sherloc (09022015). Collection method: clinical testing. Allele origin: germline.
Comment: This sequence change replaces glycine, which is neutral and non-polar, with arginine, which is basic and polar, at codon 29 of the VHL protein (p.Gly29Arg). This variant is present in population databases (no rsID available, gnomAD 0.002%). This variant has not been reported in the literature in individuals affected with VHL-related conditions. ClinVar contains an entry for this variant (Variation ID: 648697). Invitae Evidence Modeling of protein sequence and biophysical properties (such as structural, functional, and spatial information, amino acid conservation, physicochemical variation, residue mobility, and thermodynamic stability) indicates that this missense variant is not expected to disrupt VHL protein function with a negative predictive value of 95%. In summary, the available evidence is currently insufficient to determine the role of this variant in disease. Therefore, it has been classified as a Variant of Uncertain Significance.

Color Diagnostics, LLC DBA Color Health
Classification: Uncertain significance for Von Hippel-Lindau syndrome. Last evaluated: 2025-06-26. Review status: criteria provided, single submitter. Criteria: ACMG Guidelines, 2015. Collection method: clinical testing. Allele origin: germline.
Comment: This missense variant replaces glycine with arginine at codon 29 of the VHL protein. Computational prediction suggests that this variant may not impact protein structure and function. To our knowledge, functional studies have not been reported for this variant. This variant has not been reported in individuals affected with VHL-related disorders in the literature. This variant has been identified in 1/145286 chromosomes in the general population by the Genome Aggregation Database (gnomAD). The available evidence is insufficient to determine the role of this variant in disease conclusively. Therefore, this variant is classified as a Variant of Uncertain Significance.

Ambry Genetics
Classification: Uncertain significance for Hereditary cancer-predisposing syndrome. Last evaluated: 2025-02-10. Review status: criteria provided, single submitter. Criteria: Ambry Variant Classification Scheme 2023. Collection method: clinical testing. Allele origin: germline.
Comment: The p.G29R variant (also known as c.85G>C), located in coding exon 1 of the VHL gene, results from a G to C substitution at nucleotide position 85. The glycine at codon 29 is replaced by arginine, an amino acid with dissimilar properties. This amino acid position is well conserved in available vertebrate species. In addition, this alteration is predicted to be tolerated by in silico analysis. Based on the available evidence, the clinical significance of this variant remains unclear.